The following is an entry in ClinVar:

NM_144999.4(LRRC45):c.1656A>G (p.Glu552=)

Gene: LRRC45 (leucine rich repeat containing 45; plus strand). Cytogenetic location: 17q25.3.
Variant type: single nucleotide variant.
Coding change: c.1656A>G on transcript NM_144999.4 (MANE Select); coding-DNA position 1656, A replaced by G.
Protein change: p.Glu552=; no amino-acid change (glutamic acid 552 retained).
Molecular consequence: synonymous variant.
Genome position (GRCh38, 1-based): chr17:82,030,226, A>G. VCF-style: chr17-82030226-A-G. GRCh37 (hg19) VCF-style: chr17-79988102-A-G.
Identifiers: ClinVar variation 4995068 (VCV004995068.1).

ClinVar aggregate classification (germline): Likely benign (1 of 4 stars; one submission).

Conditions:
LRRC45-related disorder. Also called: LRRC45-related condition.

Submission:

PreventionGenetics, part of Exact Sciences
Classification: Likely benign for LRRC45-related condition. Last evaluated: 2026-09-01. Review status: criteria provided, single submitter. Criteria: ACMG Guidelines, 2015. Collection method: clinical testing. Allele origin: germline.
Comment: This variant is classified as likely benign based on ACMG/AMP sequence variant interpretation guidelines (Richards et al. 2015 PMID: 25741868, with internal and published modifications).